The following is an entry in ClinVar:

NM_004260.4(RECQL4):c.2928G>C (p.Glu976Asp)

Gene: RECQL4 (RecQ like helicase 4; minus strand). Cytogenetic location: 8q24.3.
Variant type: single nucleotide variant.
Coding change: c.2928G>C on transcript NM_004260.4 (MANE Select); coding-DNA position 2928, G replaced by C.
Protein change: p.Glu976Asp; replaces glutamic acid 976 with aspartic acid.
Molecular consequence: missense variant.
Genome position (GRCh38, 1-based): chr8:144,512,519, C>G on the plus strand (G>C on the coding strand, the complement: RECQL4 is on the minus strand). VCF-style: chr8-144512519-C-G. GRCh37 (hg19) VCF-style: chr8-145737902-C-G.
Other names: short protein forms E976D.
Identifiers: ClinVar variation 856115 (VCV000856115.4), dbSNP rs1391709653, ClinGen allele CA372673377.

ClinVar aggregate classification (germline): Uncertain significance (1 of 4 stars; one submission).

Conditions:
Baller-Gerold syndrome (BGS). Also called: CRANIOSYNOSTOSIS WITH RADIAL DEFECTS. Identifiers: Orphanet 1225, MedGen C0265308, MONDO:0009039, OMIM 218600.

Allele frequency attached by ClinVar (database versions not stated): gnomAD exomes 0.00002.
gnomAD v4.1: 2 of 1,612,570 alleles (0.00012%); highest among the groups gnomAD compares: East Asian, 0.0045%; no homozygotes.

Submission:

Labcorp Genetics (formerly Invitae), Labcorp
Classification: Uncertain significance for Baller-Gerold syndrome. Last evaluated: 2023-05-02. Review status: criteria provided, single submitter. Criteria: Invitae Variant Classification Sherloc (09022015). Collection method: clinical testing. Allele origin: germline.
Comment: This sequence change replaces glutamic acid, which is acidic and polar, with aspartic acid, which is acidic and polar, at codon 976 of the RECQL4 protein (p.Glu976Asp). This variant is present in population databases (no rsID available, gnomAD 0.02%). This variant has not been reported in the literature in individuals affected with RECQL4-related conditions. ClinVar contains an entry for this variant (Variation ID: 856115). Advanced modeling of protein sequence and biophysical properties (such as structural, functional, and spatial information, amino acid conservation, physicochemical variation, residue mobility, and thermodynamic stability) performed at Invitae indicates that this missense variant is not expected to disrupt RECQL4 protein function. In summary, the available evidence is currently insufficient to determine the role of this variant in disease. Therefore, it has been classified as a Variant of Uncertain Significance.